The following is an entry in ClinVar:

NM_001365951.3(KIF1B):c.4158G>A (p.Ser1386=)

Gene: KIF1B (kinesin family member 1B; plus strand). Cytogenetic location: 1p36.22.
Variant type: single nucleotide variant.
Coding change: c.4158G>A on transcript NM_001365951.3 (MANE Select); coding-DNA position 4158, G replaced by A.
Protein change: p.Ser1386=; no amino-acid change (serine 1386 retained).
Molecular consequence: synonymous variant.
Genome position (GRCh38, 1-based): chr1:10,361,031, G>A. VCF-style: chr1-10361031-G-A. GRCh37 (hg19) VCF-style: chr1-10421089-G-A.
Other names: c.4158G>A, p.Ser1386= (NM_001365952.1); c.4020G>A, p.Ser1340= (NM_015074.3).
Identifiers: ClinVar variation 284219 (VCV000284219.45), dbSNP rs116302604, ClinGen allele CA581995.

ClinVar aggregate classification (germline): Benign/Likely benign. Review status: criteria provided, multiple submitters, no conflicts (2 of 4 stars). 11 submissions from 11 submitters: Benign (6); Likely benign (2). 3 of the submissions do not count toward it. Last evaluated 2026-02-02.

Conditions:
KIF1B-related disorder. Also called: KIF1B-related condition.
Charcot-Marie-Tooth disease. Also called: Charcot-Marie-Tooth Hereditary Neuropathy; Charcot-Marie-Tooth Neuropathy. Identifiers: Orphanet 166, MedGen C0007959, MONDO:0015626.
Charcot-Marie-Tooth disease type 2. Also called: Charcot-Marie-Tooth type 2. Identifiers: Orphanet 64746, MedGen C0270914, MONDO:0018993.

Allele frequency attached by ClinVar (database versions not stated): gnomAD exomes 0.00045 and 0.00101; ExAC 0.00114; ESP Exome Variant Server 0.00292; 1000 Genomes Project 0.00339; 1000 Genomes Project 30x 0.00406; gnomAD 0.00439 and 0.00481; TOPMed 0.00510.
gnomAD v4.1: 1,368 of 1,610,768 alleles (0.085%); highest among the groups gnomAD compares: African/African-American, 1.6%; 6 homozygotes.

Submissions (11):

Labcorp Genetics (formerly Invitae), Labcorp
Classification: Benign for Charcot-Marie-Tooth disease type 2. Last evaluated: 2026-02-02. Review status: criteria provided, single submitter. Criteria: Invitae Variant Classification Sherloc (09022015). Collection method: clinical testing. Allele origin: germline.

Blueprint Genetics
Classification: Likely benign. Last evaluated: 2024-11-13. Review status: criteria provided, single submitter. Criteria: ACMG Guidelines, 2015. Collection method: clinical testing. Allele origin: germline.

ARUP Laboratories, Molecular Genetics and Genomics, ARUP Laboratories
Classification: Benign. Last evaluated: 2024-10-02. Review status: criteria provided, single submitter. Criteria: ARUP Molecular Germline Variant Investigation Process 2024. Collection method: clinical testing. Allele origin: germline.

CeGaT Center for Human Genetics Tuebingen
Classification: Benign. Last evaluated: 2024-04-01. Review status: criteria provided, single submitter. Criteria: CeGaT Center For Human Genetics Tuebingen Variant Classification Criteria Version 2. Collection method: clinical testing. Allele origin: germline. Affected: yes. Observed: 1 variant allele.
Comment: KIF1B: BP4, BP7, BS1, BS2

Ambry Genetics
Classification: Likely benign. Last evaluated: 2020-08-11. Review status: criteria provided, single submitter. Criteria: Ambry Variant Classification Scheme 2023. Collection method: clinical testing. Allele origin: germline.

Eurofins Ntd Llc (ga)
Classification: Benign. Last evaluated: 2015-11-18. Review status: criteria provided, single submitter. Criteria: EGL Classification Definitions 2015. Collection method: clinical testing. Allele origin: germline. Observed: 1 variant allele, 1 heterozygote.

Breakthrough Genomics
Classification: Benign. Review status: criteria provided, single submitter. Criteria: ACMG Guidelines, 2015. Collection method: not provided. Allele origin: germline. Inheritance: Autosomal dominant inheritance. Affected: yes.

Molecular Genetics Laboratory, London Health Sciences Centre
Classification: Benign for Charcot-Marie-Tooth disease. Review status: criteria provided, single submitter. Criteria: ACMG Guidelines, 2015. Collection method: clinical testing. Allele origin: germline. Affected: yes.

PreventionGenetics, part of Exact Sciences
Classification: Benign for KIF1B-related condition. Last evaluated: 2019-06-28. Review status: no assertion criteria provided. Collection method: clinical testing. Allele origin: germline. Not counted in ClinVar's aggregate classification.
Comment: This variant is classified as benign based on ACMG/AMP sequence variant interpretation guidelines (Richards et al. 2015 PMID: 25741868, with internal and published modifications).

Genome Diagnostics Laboratory, University Medical Center Utrecht
Classification: Likely benign. Review status: no assertion criteria provided. Collection method: clinical testing. Allele origin: germline. Affected: yes. Study: VKGL Data-share Consensus. Not counted in ClinVar's aggregate classification.

Joint Genome Diagnostic Labs from Nijmegen and Maastricht, Radboudumc and MUMC+
Classification: Likely benign. Review status: no assertion criteria provided. Collection method: clinical testing. Allele origin: germline. Affected: yes. Study: VKGL Data-share Consensus. Not counted in ClinVar's aggregate classification.